The following is an entry in ClinVar:

NM_000277.3(PAH):c.1177_1178insT (p.Asn393fs)

Gene: PAH (phenylalanine hydroxylase; minus strand). Cytogenetic location: 12q23.2.
Variant type: Insertion.
Coding change: c.1177_1178insT on transcript NM_000277.3 (MANE Select); coding-DNA positions 1177 to 1178, T inserted.
Protein change: p.Asn393fs; shifts the reading frame from asparagine 393.
Molecular consequence: frameshift variant.
Genome position: GRCh38 VCF-style: chr12-102843667-T-TA. GRCh37 (hg19) VCF-style: chr12-103237445-T-TA.
Other names: NM_001354304.2:c.1177_1178insT; c.1177_1178insT, p.Asn393fs (NM_001354304.2); short protein forms N393fs.
Identifiers: ClinVar variation 1810383 (VCV001810383.1), dbSNP rs2499613967, ClinGen allele CA16020958.

ClinVar aggregate classification (germline): Likely pathogenic (3 of 4 stars; one submission).

Conditions:
Phenylketonuria (PKU). Also called: Phenylketonurias; OLIGOPHRENIA PHENYLPYRUVICA; FOLLING DISEASE; Phenylketonuria (PKU). Identifiers: Orphanet 716, MedGen C0031485, MONDO:0009861, OMIM 261600. Disease mechanism: loss of function.

Submission:

ClinGen PAH Variant Curation Expert Panel
Classification: Likely pathogenic for Phenylketonuria. Last evaluated: 2022-07-30. Review status: reviewed by expert panel. Criteria: ClinGen PAH ACMG Specifications v1. Collection method: curation. Allele origin: germline. Inheritance: Autosomal recessive inheritance.
Comment: The NM_000277.3(PAH):c.1177_1178insT (p.Asn393IlefsTer2) frameshift variant has not been reported in the literature to our knowledge. This frameshift variant is in exon 11 where it creates a premature stop codon, which is predicted to result in NMD and is absent from population databases. In summary, this variant meets criteria to be classified as likely pathogenic for PAH. PAH-specific ACMG/AMP criteria applied: PVS1 and PM2.